The following is an entry in ClinVar:

NM_024757.5(EHMT1):c.1394C>T (p.Ala465Val)

Gene: EHMT1 (euchromatic histone lysine methyltransferase 1; plus strand). Cytogenetic location: 9q34.3.
Variant type: single nucleotide variant.
Coding change: c.1394C>T on transcript NM_024757.5 (MANE Select); coding-DNA position 1394, C replaced by T.
Protein change: p.Ala465Val; replaces alanine 465 with valine.
Molecular consequence: missense variant.
Genome position (GRCh38, 1-based): chr9:137,757,904, C>T. VCF-style: chr9-137757904-C-T. GRCh37 (hg19) VCF-style: chr9-140652356-C-T.
Other names: c.1394C>T, p.Ala465Val (NM_001145527.2, NM_001354611.2); c.1301C>T, p.Ala434Val (NM_001354259.2, NM_001354612.2); c.1373C>T, p.Ala458Val (NM_001354263.2); short protein forms A434V, A465V, A458V.
Identifiers: ClinVar variation 834251 (VCV000834251.16), dbSNP rs987954303, ClinGen allele CA201787765.

ClinVar aggregate classification (germline): Benign/Likely benign. Review status: criteria provided, multiple submitters, no conflicts (2 of 4 stars). 3 submissions from 3 submitters: Benign (1); Likely benign (2). Last evaluated 2026-02-01.

Conditions:
Kleefstra syndrome 1 (KLEFS1). Identifiers: Orphanet 261494, MedGen C0795833, MONDO:0027407, OMIM 610253.

Allele frequency attached by ClinVar (database versions not stated): gnomAD exomes below 0.00001 and 0.00004; gnomAD 0.00001; TOPMed 0.00004.
gnomAD v4.1: 62 of 1,613,840 alleles (0.0038%); highest among the groups gnomAD compares: Non-Finnish European, 0.0047%; no homozygotes.

Submissions (3):

CeGaT Center for Human Genetics Tuebingen
Classification: Likely benign. Last evaluated: 2026-02-01. Review status: criteria provided, single submitter. Criteria: CeGaT Center For Human Genetics Tuebingen Variant Classification Criteria Version 2. Collection method: clinical testing. Allele origin: germline. Affected: yes. Observed: 1 variant allele.
Comment: EHMT1: BP4

Labcorp Genetics (formerly Invitae), Labcorp
Classification: Benign for Kleefstra syndrome 1. Last evaluated: 2025-12-19. Review status: criteria provided, single submitter. Criteria: Invitae Variant Classification Sherloc (09022015). Collection method: clinical testing. Allele origin: germline.

GeneDx
Classification: Likely benign. Last evaluated: 2021-03-18. Review status: criteria provided, single submitter. Criteria: GeneDx Variant Classification Process June 2021. Collection method: clinical testing. Allele origin: germline. Affected: yes.